The following is an entry in ClinVar:

NM_004204.5(PIGQ):c.493G>A (p.Val165Ile)

Gene: PIGQ (phosphatidylinositol glycan anchor biosynthesis class Q; plus strand). Cytogenetic location: 16p13.3.
Variant type: single nucleotide variant.
Coding change: c.493G>A on transcript NM_004204.5 (MANE Select); coding-DNA position 493, G replaced by A.
Protein change: p.Val165Ile; replaces valine 165 with isoleucine.
Molecular consequence: missense variant.
Genome position (GRCh38, 1-based): chr16:574,567, G>A. VCF-style: chr16-574567-G-A. GRCh37 (hg19) VCF-style: chr16-624567-G-A.
Other names: c.493G>A, p.Val165Ile (NM_148920.4); short protein forms V165I.
Identifiers: ClinVar variation 1488295 (VCV001488295.8), dbSNP rs544941071, ClinGen allele CA7779886.
Genomic context (GRCh38, chr16:574,567, plus strand): 5'-ACCGTCCTGCCCGACCGCCAGGCTGGAGCCACCACTGCCAGCACGGGGGGCCTGGCTGCC[G>A]TCTTCGACACGGTAGCACGCAGTGAGGTGCTCTTCCGCAGTGACCGCTTTGATGAGGGCC-3'
Protein context (NP_004195.2, residues 155-175): TTASTGGLAA[Val165Ile]FDTVARSEVL

ClinVar aggregate classification (germline): Uncertain significance. Review status: criteria provided, multiple submitters, no conflicts (2 of 4 stars). 2 submissions from 2 submitters: Uncertain significance (2). Last evaluated 2026-06-01.

Conditions:
Epilepsy. Also called: Seizure disorder. Identifiers: MedGen C0014544, MeSH D004827, MONDO:0005027.

Allele frequency attached by ClinVar (database versions not stated): ExAC 0.00001; gnomAD exomes 0.00001; TOPMed 0.00002; gnomAD 0.00003 and 0.00004.
gnomAD v4.1: 19 of 1,602,944 alleles (0.0012%); highest among the groups gnomAD compares: Admixed American, 0.015%; no homozygotes.

Submissions (2):

CeGaT Center for Human Genetics Tuebingen
Classification: Uncertain significance. Last evaluated: 2026-06-01. Review status: criteria provided, single submitter. Criteria: CeGaT Center For Human Genetics Tuebingen Variant Classification Criteria Version 2. Collection method: clinical testing. Allele origin: germline. Affected: yes. Observed: 1 variant allele.
Comment: PIGQ: PM2, BP4

Labcorp Genetics (formerly Invitae), Labcorp
Classification: Uncertain significance for Epilepsy. Last evaluated: 2022-08-31. Review status: criteria provided, single submitter. Criteria: Invitae Variant Classification Sherloc (09022015). Collection method: clinical testing. Allele origin: germline.
Comment: In summary, the available evidence is currently insufficient to determine the role of this variant in disease. Therefore, it has been classified as a Variant of Uncertain Significance. Algorithms developed to predict the effect of missense changes on protein structure and function output the following: SIFT: "Tolerated"; PolyPhen-2: "Benign"; Align-GVGD: "Class C0". The isoleucine amino acid residue is found in multiple mammalian species, which suggests that this missense change does not adversely affect protein function. ClinVar contains an entry for this variant (Variation ID: 1488295). This variant has not been reported in the literature in individuals affected with PIGQ-related conditions. The frequency data for this variant in the population databases is considered unreliable, as metrics indicate poor data quality at this position in the gnomAD database. This sequence change replaces valine, which is neutral and non-polar, with isoleucine, which is neutral and non-polar, at codon 165 of the PIGQ protein (p.Val165Ile).